The following is an entry in ClinVar:

NM_138713.4(NFAT5):c.2365C>T (p.Leu789Phe)

Gene: NFAT5 (nuclear factor of activated T cells 5; plus strand). Cytogenetic location: 16q22.1.
Variant type: single nucleotide variant.
Coding change: c.2365C>T on transcript NM_138713.4 (MANE Select); coding-DNA position 2365, C replaced by T.
Protein change: p.Leu789Phe; replaces leucine 789 with phenylalanine.
Molecular consequence: missense variant.
Genome position (GRCh38, 1-based): chr16:69,692,190, C>T. VCF-style: chr16-69692190-C-T. GRCh37 (hg19) VCF-style: chr16-69726093-C-T.
Other names: c.2362C>T, p.Leu788Phe (NM_001113178.3); c.1690C>T, p.Leu564Phe (NM_001367709.1); c.2311C>T, p.Leu771Phe (NM_006599.4); c.2083C>T, p.Leu695Phe (NM_138714.4, NM_173214.3, NM_173215.3); short protein forms L771F, L789F, L564F, L695F, L788F.
Identifiers: ClinVar variation 4761232 (VCV004761232.1).
Genomic context (GRCh38, chr16:69,692,190, plus strand): 5'-CAGACTTTACAGCAGCAGATTTCATCAAATATTTTTCCATCACCAAATAGTGTGAGTCAG[C>T]TTCAGAATACTATTCAGCAGCTGCAAGCAGGGAGTTTCACAGGCAGTACTGCTAGTGGCA-3'
Protein context (NP_619727.2, residues 779-799): IFPSPNSVSQ[Leu789Phe]QNTIQQLQAG

ClinVar aggregate classification (germline): Uncertain significance (1 of 4 stars; one submission).

Conditions:
Immunodeficiency. Identifiers: MedGen C0021051, MONDO:0021094, HP:0002721.

Submission:

Labcorp Genetics (formerly Invitae), Labcorp
Classification: Uncertain significance for Immunodeficiency. Last evaluated: 2025-05-13. Review status: criteria provided, single submitter. Criteria: Invitae Variant Classification Sherloc (09022015). Collection method: clinical testing. Allele origin: germline.
Comment: This sequence change replaces leucine, which is neutral and non-polar, with phenylalanine, which is neutral and non-polar, at codon 695 of the NFAT5 protein (p.Leu695Phe). This variant is not present in population databases (gnomAD no frequency). This variant has not been reported in the literature in individuals affected with NFAT5-related conditions. An algorithm developed to predict the effect of missense changes on protein structure and function (PolyPhen-2) suggests that this variant is likely to be tolerated. In summary, the available evidence is currently insufficient to determine the role of this variant in disease. Therefore, it has been classified as a Variant of Uncertain Significance.